The following is an entry in ClinVar:

NM_024642.5(GALNT12):c.589G>A (p.Val197Met)

Gene: GALNT12 (polypeptide N-acetylgalactosaminyltransferase 12; plus strand). Cytogenetic location: 9q22.33.
Variant type: single nucleotide variant.
Coding change: c.589G>A on transcript NM_024642.5 (MANE Select); coding-DNA position 589, G replaced by A.
Protein change: p.Val197Met; replaces valine 197 with methionine.
Molecular consequence: missense variant.
Genome position (GRCh38, 1-based): chr9:98,826,799, G>A. VCF-style: chr9-98826799-G-A. GRCh37 (hg19) VCF-style: chr9-101589081-G-A.
Other names: short protein forms V197M.
Identifiers: ClinVar variation 4670623 (VCV004670623.1).
Genomic context (GRCh38, chr9:98,826,799, plus strand): 5'-TTTGCCTCCCTAGAGCACCTGAAGGAGCGCTTGGCCAATGAGCTTTCGGGACTGCCCAAG[G>A]TGCGCCTGATCCGCGCCAACAAGAGAGAGGGCCTGGTGCGAGCCCGGCTGCTGGGGGCGT-3'
Protein context (NP_078918.3, residues 187-207): LANELSGLPK[Val197Met]RLIRANKREG

ClinVar aggregate classification (germline): Uncertain significance (1 of 4 stars; one submission).

Submission:

Ambry Genetics
Classification: Uncertain significance. Last evaluated: 2025-10-21. Review status: criteria provided, single submitter. Criteria: Ambry Variant Classification Scheme 2023. Collection method: clinical testing. Allele origin: germline.
Comment: The p.V197M variant (also known as c.589G>A), located in coding exon 3 of the GALNT12 gene, results from a G to A substitution at nucleotide position 589. The valine at codon 197 is replaced by methionine, an amino acid with highly similar properties. This amino acid position is conserved. In addition, this alteration is predicted to be deleterious by in silico analysis. Based on the available evidence, the clinical significance of this variant remains unclear.